The following is an entry in ClinVar:

NM_000174.5(GP9):c.289C>T (p.Arg97Cys)

Gene: GP9 (glycoprotein IX platelet; plus strand). Cytogenetic location: 3q21.3.
Variant type: single nucleotide variant.
Coding change: c.289C>T on transcript NM_000174.5 (MANE Select); coding-DNA position 289, C replaced by T.
Protein change: p.Arg97Cys; replaces arginine 97 with cysteine.
Molecular consequence: missense variant.
Genome position (GRCh38, 1-based): chr3:129,062,028, C>T. VCF-style: chr3-129062028-C-T. GRCh37 (hg19) VCF-style: chr3-128780871-C-T.
Other names: short protein forms R97C.
Identifiers: ClinVar variation 2065315 (VCV002065315.5), dbSNP rs764919230, ClinGen allele CA2602675.

ClinVar aggregate classification (germline): Conflicting classifications of pathogenicity. Review status: criteria provided, conflicting classifications (1 of 4 stars). 5 submissions from 5 submitters: Likely pathogenic (1); Uncertain significance (4). Last evaluated 2025-11-19.

Conditions:
Bernard Soulier syndrome (BSS). Also called: BLEEDING DISORDER, PLATELET-TYPE, 1; Platelet Glycoprotein 1b, Deficiency of; PLATELET GLYCOPROTEIN Ib DEFICIENCY; VON WILLEBRAND FACTOR RECEPTOR DEFICIENCY; GLYCOPROTEIN Ib, PLATELET, DEFICIENCY OF; Giant platelet syndrome. Identifiers: Orphanet 274, MedGen C0005129, MeSH D001606, MONDO:0009276, OMIM 231200.

Allele frequency attached by ClinVar (database versions not stated): ExAC 0.00001; TOPMed 0.00001; gnomAD 0.00003.
gnomAD v4.1: 12 of 1,613,314 alleles (0.00074%); highest among the groups gnomAD compares: African/African-American, 0.0053%; no homozygotes.

Submissions (5):

3billion
Classification: Uncertain significance for Bernard Soulier syndrome. Last evaluated: 2025-11-19. Review status: criteria provided, single submitter. Criteria: ACMG Guidelines, 2015. Collection method: clinical testing. Allele origin: germline. Affected: yes.
Comment: The variant is observed at an extremely low frequency in the gnomAD v4.1.0 dataset (total allele frequency: <0.001%). Predicted Consequence/Location: Missense variant In silico tool predictions suggest damaging effect of the variant on gene or gene product [REVEL: 0.86 (>=0.6, sensitivity 0.68 and specificity 0.92); 3Cnet: 0.11 (> 0.75, sensitivity 0.96 and precision 0.92)]. The same nucleotide change resulting in the same amino acid change has been previously reported to be associated with GP9-related disorder (PMID: 24934643).A different missense change at the same codon (p.Arg97Pro) has been reported to be associated with GP9-related disorder (PMID: 27291889). However the evidence of pathogenicity is insufficient at this time. Therefore, this variant is classified as VUS according to the recommendation of ACMG/AMP guideline.

Clinical Genetics Laboratory, Skane University Hospital Lund
Classification: Likely pathogenic. Last evaluated: 2022-09-27. Review status: criteria provided, single submitter. Criteria: ACMG Guidelines, 2015. Collection method: clinical testing. Allele origin: germline. Affected: yes.

Blueprint Genetics
Classification: Uncertain significance. Last evaluated: 2022-09-16. Review status: criteria provided, single submitter. Criteria: ACMG Guidelines, 2015. Collection method: clinical testing. Allele origin: germline.

Labcorp Genetics (formerly Invitae), Labcorp
Classification: Uncertain significance. Last evaluated: 2022-02-28. Review status: criteria provided, single submitter. Criteria: Invitae Variant Classification Sherloc (09022015). Collection method: clinical testing. Allele origin: germline.
Comment: This sequence change replaces arginine, which is basic and polar, with cysteine, which is neutral and slightly polar, at codon 97 of the GP9 protein (p.Arg97Cys). This variant is present in population databases (rs764919230, gnomAD 0.007%). This missense change has been observed in individual(s) with Bernard‚ÄìSoulier syndrome (PMID: 24934643). Algorithms developed to predict the effect of missense changes on protein structure and function (SIFT, PolyPhen-2, Align-GVGD) all suggest that this variant is likely to be disruptive. In summary, the available evidence is currently insufficient to determine the role of this variant in disease. Therefore, it has been classified as a Variant of Uncertain Significance.

ISTH-SSC Genomics in Thrombosis and Hemostasis, KU Leuven, Center for Molecular and Vascular Biology
Classification: Uncertain significance for Bernard Soulier syndrome. Review status: criteria provided, single submitter. Criteria: ACMG Guidelines, 2015. Collection method: clinical testing. Allele origin: germline. Affected: yes. Observed: 1 heterozygote.
Comment: Submitted to the GoldVariant database by Kathleen Freson, Center for Molecular and Vascular Biology

Literature cited by the submitters: PubMed 27291889 (cited by 3billion); PubMed 24934643 (cited by 3billion and Labcorp Genetics (formerly Invitae), Labcorp).